The following is an entry in ClinVar:

NM_003106.4(SOX2):c.480del (p.Ser159_Tyr160insTer)

Genes: SOX2-OT (SOX2 overlapping transcript; plus strand), SOX2 (SRY-box transcription factor 2; plus strand), LOC108281177 (SOX2 5' regulatory region; plus strand). Cytogenetic location: 3q26.33.
Variant type: Deletion.
Coding change: c.480del on transcript NM_003106.4 (MANE Select); coding-DNA position 480, one base deleted (C; older notation c.480delC).
Protein change: p.Ser159_Tyr160insTer.
Molecular consequence: nonsense.
Genome position (GRCh38, 1-based): chr3:181,712,840, C deleted. VCF-style (leftmost placement, unchanged base first): chr3-181712839-AC-A. GRCh37 (hg19) VCF-style: chr3-181430627-AC-A.
Identifiers: ClinVar variation 2047344 (VCV002047344.4), dbSNP rs2473718812, ClinGen allele CA2580069114.

ClinVar aggregate classification (germline): Pathogenic (1 of 4 stars; one submission).

Conditions:
Anophthalmia/microphthalmia-esophageal atresia syndrome (MCOPS3). Also called: SOX2 Disorder; MICROPHTHALMIA AND ESOPHAGEAL ATRESIA SYNDROME; AEG SYNDROME. Identifiers: Orphanet 77298, MedGen C1859773, MONDO:0008799, OMIM 206900.

Submission:

Labcorp Genetics (formerly Invitae), Labcorp
Classification: Pathogenic for Anophthalmia/microphthalmia-esophageal atresia syndrome. Last evaluated: 2021-12-18. Review status: criteria provided, single submitter. Criteria: Invitae Variant Classification Sherloc (09022015). Collection method: clinical testing. Allele origin: germline.
Comment: This sequence change creates a premature translational stop signal (p.Tyr160*) in the SOX2 gene. While this is not anticipated to result in nonsense mediated decay, it is expected to disrupt the last 158 amino acid(s) of the SOX2 protein. This variant is not present in population databases (gnomAD no frequency). This premature translational stop signal has been observed in individual(s) with anophthalmia (PMID: 16932809, 30450772). Algorithms developed to predict the effect of variants on protein structure and function are not available or were not evaluated for this variant. Experimental studies have shown that this premature translational stop signal affects SOX2 function (PMID: 16932809). This variant disrupts a region of the SOX2 protein in which other variant(s) (p.Pro181Argfs*22) have been determined to be pathogenic (PMID: 22171155). This suggests that this is a clinically significant region of the protein, and that variants that disrupt it are likely to be disease-causing. For these reasons, this variant has been classified as Pathogenic.

Literature cited by the submitters: PubMed 16932809; PubMed 30450772; PubMed 22171155.